The following is an entry in ClinVar:

ClinVar aggregate classification (germline): Likely benign. Review status: criteria provided, multiple submitters, no conflicts (2 of 4 stars). 3 submissions from 3 submitters: Likely benign (3). Last evaluated 2024-05-07.

Conditions:
Charcot-Marie-Tooth disease. Also called: Charcot-Marie-Tooth Neuropathy; Charcot-Marie-Tooth Hereditary Neuropathy. Identifiers: Orphanet 166, MedGen C0007959, MONDO:0015626.
Charcot-Marie-Tooth disease, type I (CMT1). Also called: Charcot-Marie-Tooth disease type 1; Charcot-Marie-Tooth, Type 1. Identifiers: Orphanet 65753, MedGen C0751036, MONDO:0019011.

Allele frequency attached by ClinVar (database versions not stated): gnomAD 0.00001; TOPMed 0.00001; gnomAD exomes 0.00004 and 0.00008; ExAC 0.00009.

Submissions (3):

Labcorp Genetics (formerly Invitae), Labcorp
Classification: Likely benign for Charcot-Marie-Tooth disease, type I. Last evaluated: 2024-05-07. Review status: criteria provided, single submitter. Criteria: Invitae Variant Classification Sherloc (09022015). Collection method: clinical testing. Allele origin: germline.

CeGaT Center for Human Genetics Tuebingen
Classification: Likely benign. Last evaluated: 2022-05-01. Review status: criteria provided, single submitter. Criteria: CeGaT Center For Human Genetics Tuebingen Variant Classification Criteria Version 2. Collection method: clinical testing. Allele origin: germline. Affected: yes. Observed: 1 variant allele.
Comment: MPZ: BP4, BP7

Molecular Genetics Laboratory, London Health Sciences Centre
Classification: Likely benign for Charcot-Marie-Tooth disease. Review status: criteria provided, single submitter. Criteria: ACMG Guidelines, 2015. Collection method: clinical testing. Allele origin: germline. Affected: yes.

NM_000530.8(MPZ):c.531C>T (p.Tyr177=)

Gene: MPZ (myelin protein zero; minus strand). Cytogenetic location: 1q23.3.
Variant type: single nucleotide variant.
Coding change: c.531C>T on transcript NM_000530.8 (MANE Select); coding-DNA position 531, C replaced by T.
Protein change: p.Tyr177=; no amino-acid change (tyrosine 177 retained).
Molecular consequence: synonymous variant.
Genome position (GRCh38, 1-based): chr1:161,306,382, G>A on the plus strand (C>T on the coding strand, the complement: MPZ is on the minus strand). VCF-style: chr1-161306382-G-A. GRCh37 (hg19) VCF-style: chr1-161276172-G-A.
Other names: c.531C>T, p.Tyr177= (NM_001315491.2).
Identifiers: ClinVar variation 917385 (VCV000917385.27), dbSNP rs779159258, ClinGen allele CA1210141.